The following is an entry in ClinVar:

NM_001278512.2(AP3B2):c.2155G>C (p.Glu719Gln)

Genes: AP3B2 (adaptor related protein complex 3 subunit beta 2; minus strand), CPEB1-AS1 (CPEB1 antisense RNA 1; plus strand). Cytogenetic location: 15q25.2.
Variant type: single nucleotide variant.
Coding change: c.2155G>C on transcript NM_001278512.2 (MANE Select); coding-DNA position 2155, G replaced by C.
Protein change: p.Glu719Gln; replaces glutamic acid 719 with glutamine.
Molecular consequence: missense variant.
Genome position (GRCh38, 1-based): chr15:82,664,473, C>G on the plus strand (G>C on the coding strand, the complement: AP3B2 is on the minus strand). VCF-style: chr15-82664473-C-G. GRCh37 (hg19) VCF-style: chr15-83333225-C-G.
Other names: c.2002G>C, p.Glu668Gln (NM_001278511.2); c.2098G>C, p.Glu700Gln (NM_004644.5); short protein forms E668Q, E700Q, E719Q.
Identifiers: ClinVar variation 2110241 (VCV002110241.2), dbSNP rs747279235, ClinGen allele CA7699998.
Genomic context (GRCh38, chr15:82,664,473, plus strand): 5'-TGTCGGACTCACTGCTGGACTCCCCAGAGCCGCTCTCACTGCTGCTCTTACTGTCCGATT[C>G]ACTCTCAGACTCAGGGTCTGTGGAGGAACAATATGAGGCCTCCTCCCTCATATGCAGGCC-3'
Protein context (NP_001265441.1, residues 709-729): SADSDPESES[Glu719Gln]SDSKSSSESG

ClinVar aggregate classification (germline): Uncertain significance (1 of 4 stars; one submission).

Allele frequency attached by ClinVar (database versions not stated): gnomAD exomes below 0.00001; ExAC 0.00001; gnomAD 0.00001; TOPMed 0.00001.
gnomAD v4.1: 8 of 1,613,530 alleles (0.0005%); highest among the groups gnomAD compares: African/African-American, 0.0013%; no homozygotes.

Submission:

Labcorp Genetics (formerly Invitae), Labcorp
Classification: Uncertain significance. Last evaluated: 2022-03-29. Review status: criteria provided, single submitter. Criteria: Invitae Variant Classification Sherloc (09022015). Collection method: clinical testing. Allele origin: germline.
Comment: This sequence change replaces glutamic acid, which is acidic and polar, with glutamine, which is neutral and polar, at codon 700 of the AP3B2 protein (p.Glu700Gln). This variant is present in population databases (rs747279235, gnomAD 0.007%). In summary, the available evidence is currently insufficient to determine the role of this variant in disease. Therefore, it has been classified as a Variant of Uncertain Significance. Algorithms developed to predict the effect of missense changes on protein structure and function (SIFT, PolyPhen-2, Align-GVGD) all suggest that this variant is likely to be tolerated. This variant has not been reported in the literature in individuals affected with AP3B2-related conditions.